The following is an entry in ClinVar:

NM_004385.5(VCAN):c.6469G>A (p.Val2157Ile)

Genes: VCAN (versican; plus strand), VCAN-AS1 (VCAN antisense RNA 1; minus strand). Cytogenetic location: 5q14.3.
Variant type: single nucleotide variant.
Coding change: c.6469G>A on transcript NM_004385.5 (MANE Select); coding-DNA position 6469, G replaced by A.
Protein change: p.Val2157Ile; replaces valine 2157 with isoleucine.
Molecular consequence: missense variant. On other transcripts: intron variant (2).
Genome position (GRCh38, 1-based): chr5:83,539,472, G>A. VCF-style: chr5-83539472-G-A. GRCh37 (hg19) VCF-style: chr5-82835291-G-A.
Other names: c.3508G>A, p.Val1170Ile (NM_001164097.2); c.4004-6065G>A (NM_001164098.2); c.1043-6065G>A (NM_001126336.3); short protein forms V1170I, V2157I.
Identifiers: ClinVar variation 1964783 (VCV001964783.5), dbSNP rs1182672018, ClinGen allele CA360312632.
Genomic context (GRCh38, chr5:83,539,472, plus strand): 5'-CAAACAATCTTTGATTCACAGACATTTACTGAAACTGAACTCAAAACCACAGATTATTCT[G>A]TACTAACAACAAAGAAAACTTACAGTGATGATAAAGAAATGAAGGAGGAAGACACTTCTT-3'
Protein context (NP_004376.2, residues 2147-2167): ETELKTTDYS[Val2157Ile]LTTKKTYSDD

ClinVar aggregate classification (germline): Uncertain significance (1 of 4 stars; one submission).

gnomAD v4.1: 2 of 1,613,702 alleles (0.00012%); highest among the groups gnomAD compares: Non-Finnish European, 0.00017%; no homozygotes.

Submission:

Labcorp Genetics (formerly Invitae), Labcorp
Classification: Uncertain significance. Last evaluated: 2022-05-28. Review status: criteria provided, single submitter. Criteria: Invitae Variant Classification Sherloc (09022015). Collection method: clinical testing. Allele origin: germline.
Comment: In summary, the available evidence is currently insufficient to determine the role of this variant in disease. Therefore, it has been classified as a Variant of Uncertain Significance. This sequence change replaces valine, which is neutral and non-polar, with isoleucine, which is neutral and non-polar, at codon 2157 of the VCAN protein (p.Val2157Ile). This variant is present in population databases (no rsID available, gnomAD 0.01%). This variant has not been reported in the literature in individuals affected with VCAN-related conditions. Algorithms developed to predict the effect of missense changes on protein structure and function output the following: SIFT: "Tolerated"; PolyPhen-2: "Benign"; Align-GVGD: "Class C0". The isoleucine amino acid residue is found in multiple mammalian species, which suggests that this missense change does not adversely affect protein function.